The following is an entry in ClinVar:

NM_000324.3(RHAG):c.447T>G (p.Ile149Met)

Gene: RHAG (Rh associated glycoprotein; minus strand). Cytogenetic location: 6p12.3.
Variant type: single nucleotide variant.
Coding change: c.447T>G on transcript NM_000324.3 (MANE Select); coding-DNA position 447, T replaced by G.
Protein change: p.Ile149Met; replaces isoleucine 149 with methionine.
Molecular consequence: missense variant.
Genome position (GRCh38, 1-based): chr6:49,618,113, A>C on the plus strand (T>G on the coding strand, the complement: RHAG is on the minus strand). VCF-style: chr6-49618113-A-C. GRCh37 (hg19) VCF-style: chr6-49585826-A-C.
Other names: short protein forms I149M.
Identifiers: ClinVar variation 438646 (VCV000438646.1), dbSNP rs1554174425, ClinGen allele CA364401417.

ClinVar aggregate classification (germline): Pathogenic (0 of 4 stars; one submission).

Conditions:
Overhydrated hereditary stomatocytosis. Identifiers: Orphanet 3203, MedGen C1861455, MONDO:0008493, OMIM 185000.

Allele frequency attached by ClinVar (database versions not stated): gnomAD exomes 0.00001.
gnomAD v4.1: 16 of 1,614,098 alleles (0.00099%); highest among the groups gnomAD compares: Non-Finnish European, 0.0014%; no homozygotes.

Submission:

Department of Hematology - Research Laboratory 1, Postgraduate Institute of Medical Education and Research
Classification: Pathogenic for Overhydrated hereditary stomatocytosis. Last evaluated: 2017-06-27. Review status: no assertion criteria provided. Collection method: research. Allele origin: de novo. Affected: yes. Observed: 1 variant allele.
Comment: It has occurred de novo and heterozygosity confirms the reported autosomal dominant mode of inheritance. NM_000324.2(RHAG):c.447 T>G was not found in 100 alleles of unrelated hematologically normal individuals.